The following is an entry in ClinVar:

NM_000548.5(TSC2):c.2098-16C>T

Gene: TSC2 (TSC complex subunit 2; plus strand). Cytogenetic location: 16p13.3.
Variant type: single nucleotide variant.
Coding change: c.2098-16C>T on transcript NM_000548.5 (MANE Select); 16 bases into the intron before coding-DNA position 2098, C replaced by T.
Molecular consequence: intron variant.
Genome position (GRCh38, 1-based): chr16:2,072,225, C>T. VCF-style: chr16-2072225-C-T. GRCh37 (hg19) VCF-style: chr16-2122226-C-T.
Other names: c.2098-16C>T (NM_001114382.3, NM_021055.3, NM_001370405.1 and 3 more transcripts); c.1987-16C>T (NM_001318827.2); c.1498-16C>T (NM_001318831.2); c.1951-16C>T (NM_001318829.2); c.2131-16C>T (NM_001318832.2).
Identifiers: ClinVar variation 1626730 (VCV001626730.9), dbSNP rs764694797, ClinGen allele CA2202024948.

ClinVar aggregate classification (germline): Likely benign. Review status: criteria provided, multiple submitters, no conflicts (2 of 4 stars). 2 submissions from 2 submitters: Likely benign (2). Last evaluated 2025-05-19.

Conditions:
Tuberous sclerosis 2 (TSC2). Identifiers: Orphanet 805, MedGen C1860707, MONDO:0013199, OMIM 613254.

Submissions (2):

Myriad Genetics, Inc.
Classification: Likely benign for Tuberous sclerosis 2. Last evaluated: 2025-05-19. Review status: criteria provided, single submitter. Criteria: Myriad Autosomal Dominant, Autosomal Recessive and X-Linked Classification Criteria (2023). Collection method: clinical testing. Allele origin: unknown.
Comment: This variant is considered likely benign. This variant is intronic and is not expected to impact mRNA splicing.

Labcorp Genetics (formerly Invitae), Labcorp
Classification: Likely benign for Tuberous sclerosis 2. Last evaluated: 2022-11-04. Review status: criteria provided, single submitter. Criteria: Invitae Variant Classification Sherloc (09022015). Collection method: clinical testing. Allele origin: germline.